The following is an entry in ClinVar:

NM_001110556.2(FLNA):c.462G>T (p.Met154Ile)

Gene: FLNA (filamin A; minus strand). Cytogenetic location: Xq28.
Variant type: single nucleotide variant.
Coding change: c.462G>T on transcript NM_001110556.2 (MANE Select); coding-DNA position 462, G replaced by T.
Protein change: p.Met154Ile; replaces methionine 154 with isoleucine.
Molecular consequence: missense variant.
Genome position (GRCh38, 1-based): chrX:154,368,002, C>A on the plus strand (G>T on the coding strand, the complement: FLNA is on the minus strand). VCF-style: chrX-154368002-C-A. GRCh37 (hg19) VCF-style: chrX-153596370-C-A.
Other names: p.M154I:ATG>ATT; c.462G>T, p.Met154Ile (NM_001456.4); short protein forms M154I.
Identifiers: ClinVar variation 213512 (VCV000213512.3), dbSNP rs863223640, ClinGen allele CA324452.

ClinVar aggregate classification (germline): Uncertain significance. Review status: criteria provided, multiple submitters, no conflicts (2 of 4 stars). 2 submissions from 2 submitters: Uncertain significance (2). Last evaluated 2018-09-05.

Submissions (2):

Blueprint Genetics
Classification: Uncertain significance. Last evaluated: 2018-09-05. Review status: criteria provided, single submitter. Criteria: ACMG Guidelines, 2015. Collection method: clinical testing. Allele origin: germline.

GeneDx
Classification: Uncertain significance. Last evaluated: 2018-06-27. Review status: criteria provided, single submitter. Criteria: GeneDx Variant Classification (06012015). Collection method: clinical testing. Allele origin: germline. Affected: yes.
Comment: The M154I variant has not been published as a mutation, nor has it been reported as a benign polymorphism to our knowledge. It was not observed in approximately 6,500 individuals of European and African American ancestry in the NHLBI Exome Sequencing Project, indicating it is not a common benign variant in these populations. This substitution occurs at a position that is conserved across mammals, although Isoleucine is observed at this position in evolution. A missense mutation in a nearby residue (S149F) has been reported in association with periventricular heterotopia. However, the M154I variant is a conservative amino acid substitution, which is not likely to impact secondary protein structure as these residues share similar properties. In silico analysis is inconsistent in its predictions as to whether or not the variant is damaging to the protein structure/function. Therefore, based on the currently available information, it is unclear whether this variant is a pathogenic mutation or a rare benign variant. This variant was found in CORTICAL-BRAIN